The following is an entry in ClinVar:

NM_001135649.3(FOXI3):c.268G>C (p.Gly90Arg)

Gene: FOXI3 (forkhead box I3; minus strand). Cytogenetic location: 2p11.2.
Variant type: single nucleotide variant.
Coding change: c.268G>C on transcript NM_001135649.3 (MANE Select); coding-DNA position 268, G replaced by C.
Protein change: p.Gly90Arg; replaces glycine 90 with arginine.
Molecular consequence: missense variant.
Genome position (GRCh38, 1-based): chr2:88,452,268, C>G on the plus strand (G>C on the coding strand, the complement: FOXI3 is on the minus strand). VCF-style: chr2-88452268-C-G. GRCh37 (hg19) VCF-style: chr2-88751786-C-G.
Other names: short protein forms G90R.
Identifiers: ClinVar variation 2993681 (VCV002993681.3), dbSNP rs1676064393, ClinGen allele CA347766714.

ClinVar aggregate classification (germline): Uncertain significance (1 of 4 stars; one submission).

Submission:

Labcorp Genetics (formerly Invitae), Labcorp
Classification: Uncertain significance. Last evaluated: 2023-05-11. Review status: criteria provided, single submitter. Criteria: Invitae Variant Classification Sherloc (09022015). Collection method: clinical testing. Allele origin: germline.
Comment: In summary, the available evidence is currently insufficient to determine the role of this variant in disease. Therefore, it has been classified as a Variant of Uncertain Significance. Experimental studies and prediction algorithms are not available or were not evaluated, and the functional significance of this variant is currently unknown. This variant has not been reported in the literature in individuals affected with FOXI3-related conditions. The frequency data for this variant in the population databases is considered unreliable, as metrics indicate insufficient coverage at this position in the gnomAD database. This sequence change replaces glycine, which is neutral and non-polar, with arginine, which is basic and polar, at codon 90 of the FOXI3 protein (p.Gly90Arg).